The following is an entry in ClinVar:

ClinVar aggregate classification (germline): Pathogenic/Likely pathogenic. Review status: criteria provided, multiple submitters, no conflicts (2 of 4 stars). 6 submissions from 6 submitters: Pathogenic (5); Likely pathogenic (1). Last evaluated 2025-09-18.

Conditions:
RHO-related disorder. Also called: RHO-related condition.
Retinal dystrophy. Also called: Inherited retinal dystrophy. Identifiers: Orphanet 71862, MedGen C0854723, MeSH D058499, MONDO:0019118, HP:0000556.
Retinitis pigmentosa 4 (RP4). Also called: RETINITIS PIGMENTOSA, RHODOPSIN-RELATED. Identifiers: Orphanet 791, MedGen C3151001, MONDO:0013395, OMIM 613731.

Submissions (6):

3billion
Classification: Pathogenic for Retinitis pigmentosa 4. Last evaluated: 2025-09-18. Review status: criteria provided, single submitter. Criteria: ACMG Guidelines, 2015. Collection method: clinical testing. Allele origin: germline. Affected: yes.
Comment: The variant is observed at an extremely low frequency in the gnomAD v4.1.0 dataset (total allele frequency: <0.001%). Predicted Consequence/Location: Missense variant. Missense changes are a common disease-causing mechanism. In silico tool predictions suggest damaging effect of the variant on gene or gene product [REVEL: 0.72 (>=0.6, sensitivity 0.68 and specificity 0.92); 3Cnet: 0.99 (> 0.75, sensitivity 0.96 and precision 0.92)]. The same nucleotide change resulting in the same amino acid change has been previously reported as pathogenic/likely pathogenic with strong evidence (ClinVar ID: VCV000862966 /PMID: 1833777). Different missense changes at the same codon (p.Pro171Arg, p.Pro171Gln, p.Pro171Glu, p.Pro171Ser) have been reported as pathogenic/likely pathogenic with strong evidence (ClinVar ID: VCV000013050, VCV000866418, VCV000938969 /PMID: 15145060, 7987326, 8088850 /3billion dataset). Therefore, this variant is classified as Pathogenic according to the recommendation of ACMG/AMP guideline.

Labcorp Genetics (formerly Invitae), Labcorp
Classification: Pathogenic. Last evaluated: 2025-08-16. Review status: criteria provided, single submitter. Criteria: Invitae Variant Classification Sherloc (09022015). Collection method: clinical testing. Allele origin: germline.
Comment: This sequence change replaces proline, which is neutral and non-polar, with leucine, which is neutral and non-polar, at codon 171 of the RHO protein (p.Pro171Leu). This variant is not present in population databases (gnomAD no frequency). This missense change has been observed in individuals with autosomal dominant retinitis pigmentosa (PMID: 1833777, 29847639). It has also been observed to segregate with disease in related individuals. ClinVar contains an entry for this variant (Variation ID: 862966). Invitae Evidence Modeling of protein sequence and biophysical properties (such as structural, functional, and spatial information, amino acid conservation, physicochemical variation, residue mobility, and thermodynamic stability) indicates that this missense variant is expected to disrupt RHO protein function with a positive predictive value of 95%. Experimental studies have shown that this missense change affects RHO function (PMID: 8253795). For these reasons, this variant has been classified as Pathogenic.

Dept Of Ophthalmology, Nagoya University
Classification: Pathogenic for Retinal dystrophy. Last evaluated: 2023-10-01. Review status: criteria provided, single submitter. Criteria: Submitter's publication. Collection method: research. Allele origin: germline. Affected: yes.

Blueprint Genetics
Classification: Pathogenic for RHO-related disorders. Last evaluated: 2022-11-15. Review status: criteria provided, single submitter. Criteria: ACMG Guidelines, 2015. Collection method: clinical testing. Allele origin: germline. Affected: yes. Observed: 5 variant alleles.

Ocular Genomics Institute, Massachusetts Eye and Ear
Classification: Likely pathogenic for Retinitis pigmentosa 4. Last evaluated: 2021-04-08. Review status: criteria provided, single submitter. Criteria: ACMG Guidelines, 2015. Collection method: research. Allele origin: germline. Affected: yes.
Comment: Through a review of available evidence we were able to apply the following criteria: PS1, PM2, PP1. Based on this evidence we have classified this variant as Likely Pathogenic.

Centre for Genomic Medicine, Manchester, Central Manchester University Hospitals
Classification: Pathogenic for Retinitis pigmentosa 4. Last evaluated: 2020-09-01. Review status: criteria provided, single submitter. Criteria: ACMG Guidelines, 2015. Collection method: clinical testing. Allele origin: germline. Affected: yes. Observed: 1 heterozygote.

Literature cited by the submitters: PubMed 15145060 (cited by 3billion); PubMed 1833777 (cited by 3 submitters); PubMed 29847639 (cited by Labcorp Genetics (formerly Invitae), Labcorp and Ocular Genomics Institute, Massachusetts Eye and Ear); PubMed 8253795 (cited by Labcorp Genetics (formerly Invitae), Labcorp); PubMed 21094163 (cited by Ocular Genomics Institute, Massachusetts Eye and Ear); PubMed 28559085 (cited by Ocular Genomics Institute, Massachusetts Eye and Ear); PubMed 29453956 (cited by Ocular Genomics Institute, Massachusetts Eye and Ear).

NM_000539.3(RHO):c.512C>T (p.Pro171Leu)

Gene: RHO (rhodopsin; plus strand). Cytogenetic location: 3q22.1.
Variant type: single nucleotide variant.
Coding change: c.512C>T on transcript NM_000539.3 (MANE Select); coding-DNA position 512, C replaced by T.
Protein change: p.Pro171Leu; replaces proline 171 with leucine.
Molecular consequence: missense variant.
Genome position (GRCh38, 1-based): chr3:129,531,026, C>T. VCF-style: chr3-129531026-C-T. GRCh37 (hg19) VCF-style: chr3-129249869-C-T.
Other names: short protein forms P171L.
Identifiers: ClinVar variation 862966 (VCV000862966.15), dbSNP rs2084776162, ClinGen allele CA354498729.